The following is an entry in ClinVar:

ClinVar aggregate classification (germline): Benign. Review status: criteria provided, single submitter (1 of 4 stars). 2 submissions from 1 submitter: Benign (2). Last evaluated 2018-01-13.

Conditions:
Chondrocalcinosis 2. Also called: CALCIUM GOUT; CALCIUM PYROPHOSPHATE ARTHROPATHY; Familial calcium pyrophosphate deposition. Identifiers: Orphanet 1416, MedGen C0856830, MONDO:0007319, OMIM 118600.
Craniometaphyseal dysplasia, autosomal dominant (CMDD). Identifiers: Orphanet 1522, MedGen C1852502, MONDO:0007397, OMIM 123000.

Allele frequency attached by ClinVar (database versions not stated): gnomAD 0.07153 and 0.07383; 1000 Genomes Project 0.17851.

Submissions (2):

Illumina Laboratory Services, Illumina
Classification: Benign for Chondrocalcinosis 2. Last evaluated: 2018-01-13. Review status: criteria provided, single submitter. Criteria: ICSL Variant Classification Criteria 13 December 2019. Collection method: clinical testing. Allele origin: germline.
Comment: This variant was observed in the ICSL laboratory as part of a predisposition screen in an ostensibly healthy population. It had not been previously curated by ICSL or reported in the Human Gene Mutation Database (HGMD: prior to June 1st, 2018), and was therefore a candidate for classification through an automated scoring system. Utilizing variant allele frequency, disease prevalence and penetrance estimates, and inheritance mode, an automated score was calculated to assess if this variant is too frequent to cause the disease. Based on the score and internal cut-off values, a variant classified as benign is not then subjected to further curation. The score for this variant resulted in a classification of benign for this disease.

Illumina Laboratory Services, Illumina
Classification: Benign for Craniometaphyseal dysplasia, autosomal dominant. Last evaluated: 2018-01-13. Review status: criteria provided, single submitter. Criteria: ICSL Variant Classification Criteria 13 December 2019. Collection method: clinical testing. Allele origin: germline.
Comment: the same text as in the submission from Illumina Laboratory Services, Illumina above.

NM_054027.6(ANKH):c.*3900T>C

Genes: ANKH (ANKH inorganic pyrophosphate transport regulator; minus strand), OTULIN (OTU deubiquitinase with linear linkage specificity; plus strand). Cytogenetic location: 5p15.2.
Variant type: single nucleotide variant.
Coding change: c.*3900T>C on transcript NM_054027.6 (MANE Select); 3900 bases downstream of the stop codon, T replaced by C.
Molecular consequence: 3 prime UTR variant.
Genome position (GRCh38, 1-based): chr5:14,707,297, A>G on the plus strand (T>C on the coding strand, the complement: ANKH is on the minus strand). VCF-style: chr5-14707297-A-G. GRCh37 (hg19) VCF-style: chr5-14707406-A-G.
Identifiers: ClinVar variation 351426 (VCV000351426.5), dbSNP rs76635089, ClinGen allele CA10620469.